The following is an entry in ClinVar:

NM_000719.7(CACNA1C):c.5716C>T (p.Arg1906Ter)

Genes: CACNA1C (calcium voltage-gated channel subunit alpha1 C; plus strand), CACNA1C-AS1 (CACNA1C antisense RNA 1; minus strand). Cytogenetic location: 12p13.33.
Variant type: single nucleotide variant.
Coding change: c.5716C>T on transcript NM_000719.7 (MANE Select); coding-DNA position 5716, C replaced by T.
Protein change: p.Arg1906Ter; replaces arginine 1906 with a stop codon.
Molecular consequence: nonsense.
Genome position (GRCh38, 1-based): chr12:2,686,201, C>T. VCF-style: chr12-2686201-C-T. GRCh37 (hg19) VCF-style: chr12-2795367-C-T.
Other names: c.5860C>T, p.Arg1954Ter (NM_001129827.2); c.5839C>T, p.Arg1947Ter (NM_001129829.2); c.5821C>T, p.Arg1941Ter (NM_001129830.3, NM_001167624.3); c.5800C>T, p.Arg1934Ter (NM_001129831.2); c.5776C>T, p.Arg1926Ter (NM_001129832.2); c.5773C>T, p.Arg1925Ter (NM_001129833.2, NM_001129834.2, NM_001129835.2); c.5716C>T, p.Arg1906Ter (NM_001167623.2, NM_001129840.2, NM_001129841.2 and 2 more transcripts); c.5896C>T, p.Arg1966Ter (NM_001167625.2); and 7 more; short protein forms R1912*, R1923*, R1914*, R1947*, R1954*, R1895*, R1925*, R1903*.
Identifiers: ClinVar variation 1419767 (VCV001419767.7), dbSNP rs78593627, ClinGen allele CA231615980.

ClinVar aggregate classification (germline): Conflicting classifications of pathogenicity. Review status: criteria provided, conflicting classifications (1 of 4 stars). 2 submissions from 2 submitters: Pathogenic (1); Uncertain significance (1). Last evaluated 2024-10-12.

Conditions:
Cardiovascular phenotype. Identifiers: MedGen CN230736.
Long QT syndrome (LQTS). Identifiers: MedGen C0023976, MeSH D008133, MONDO:0002442. Disease mechanism: loss of function. Inheritance: Various modes of inheritance.

Allele frequency attached by ClinVar (database versions not stated): gnomAD exomes below 0.00001; gnomAD 0.00001.
gnomAD v4.1: 4 of 1,613,714 alleles (0.00025%); highest among the groups gnomAD compares: African/African-American, 0.0013%; no homozygotes.

Submissions (2):

Labcorp Genetics (formerly Invitae), Labcorp
Classification: Uncertain significance for Long QT syndrome. Last evaluated: 2024-10-12. Review status: criteria provided, single submitter. Criteria: Invitae Variant Classification Sherloc (09022015). Collection method: clinical testing. Allele origin: germline.
Comment: This sequence change creates a premature translational stop signal (p.Arg1906*) in the CACNA1C gene. It is expected to result in an absent or disrupted protein product. However, the current clinical and genetic evidence is not sufficient to establish whether loss-of-function variants in CACNA1C cause disease. The frequency data for this variant in the population databases is considered unreliable, as metrics indicate poor data quality at this position in the gnomAD database. This premature translational stop signal has been observed in individual(s) with Timothy syndrome (PMID: 34163037). This variant is also known as p.Arg1989*. ClinVar contains an entry for this variant (Variation ID: 1419767). In summary, the available evidence is currently insufficient to determine the role of this variant in disease. Therefore, it has been classified as a Variant of Uncertain Significance.

Ambry Genetics
Classification: Pathogenic for Cardiovascular phenotype. Last evaluated: 2024-03-09. Review status: criteria provided, single submitter. Criteria: Ambry Variant Classification Scheme 2023. Collection method: clinical testing. Allele origin: germline.
Comment: The p.R1906* pathogenic mutation (also known as c.5716C>T), located in coding exon 45 of the CACNA1C gene, results from a C to T substitution at nucleotide position 5716. This changes the amino acid from an arginine to a stop codon within coding exon 45. This alteration has been reported in an autism spectrum disease cohort (Guo H et al. Genet Med, 2019 Jul;21:1611-1620). This variant is considered to be rare based on population cohorts in the Genome Aggregation Database (gnomAD). This alteration is expected to result in loss of function by premature protein truncation or nonsense-mediated mRNA decay. Based on the supporting evidence, this alteration is pathogenic for CACNA1C-related neurodevelopmental disorder; however, the association of this alteration with CACNA1C-related long QT syndrome or Timothy syndrome is unknown.

Literature cited by the submitters: PubMed 34163037 (cited by Labcorp Genetics (formerly Invitae), Labcorp); PubMed 30504930 (cited by Ambry Genetics).